The following is an entry in ClinVar:

NM_006445.4(PRPF8):c.6967G>A (p.Gly2323Arg)

Gene: PRPF8 (pre-mRNA processing factor 8; minus strand). Cytogenetic location: 17p13.3.
Variant type: single nucleotide variant.
Coding change: c.6967G>A on transcript NM_006445.4 (MANE Select); coding-DNA position 6967, G replaced by A.
Protein change: p.Gly2323Arg; replaces glycine 2323 with arginine.
Molecular consequence: missense variant.
Genome position (GRCh38, 1-based): chr17:1,650,843, C>T on the plus strand (G>A on the coding strand, the complement: PRPF8 is on the minus strand). VCF-style: chr17-1650843-C-T. GRCh37 (hg19) VCF-style: chr17-1554137-C-T.
Other names: c.6967G>A (NM_006445.3); short protein forms G2323R.
Identifiers: ClinVar variation 1388434 (VCV001388434.7), dbSNP rs1910997588, ClinGen allele CA397561829.

ClinVar aggregate classification (germline): Uncertain significance. Review status: criteria provided, multiple submitters, no conflicts (2 of 4 stars). 2 submissions from 2 submitters: Uncertain significance (2). Last evaluated 2025-11-07.

Conditions:
Inborn genetic diseases. Identifiers: MedGen C0950123, MeSH D030342.

Submissions (2):

Ambry Genetics
Classification: Uncertain significance for Inborn genetic diseases. Last evaluated: 2025-11-07. Review status: criteria provided, single submitter. Criteria: Ambry Variant Classification Scheme 2023. Collection method: clinical testing. Allele origin: germline.
Comment: The c.6967G>A (p.G2323R) alteration is located in exon 43 (coding exon 42) of the PRPF8 gene. This alteration results from a G to A substitution at nucleotide position 6967, causing the glycine (G) at amino acid position 2323 to be replaced by an arginine (R). This variant was not reported in population-based cohorts in the Genome Aggregation Database (gnomAD). Another variant at the same codon, c.6967G>T (p.G2323W), has been identified in individual(s) with retinal degeneration (Zampaglione, 2022). This amino acid position is highly conserved in available vertebrate species. This alteration is predicted to be deleterious by in silico analysis. Based on insufficient or conflicting evidence, the clinical significance of this alteration remains unclear.

Labcorp Genetics (formerly Invitae), Labcorp
Classification: Uncertain significance. Last evaluated: 2022-06-27. Review status: criteria provided, single submitter. Criteria: Invitae Variant Classification Sherloc (09022015). Collection method: clinical testing. Allele origin: germline.
Comment: This variant is not present in population databases (gnomAD no frequency). This sequence change replaces glycine, which is neutral and non-polar, with arginine, which is basic and polar, at codon 2323 of the PRPF8 protein (p.Gly2323Arg). In summary, the available evidence is currently insufficient to determine the role of this variant in disease. Therefore, it has been classified as a Variant of Uncertain Significance. Algorithms developed to predict the effect of missense changes on protein structure and function (SIFT, PolyPhen-2, Align-GVGD) all suggest that this variant is likely to be tolerated. This variant has not been reported in the literature in individuals affected with PRPF8-related conditions.

Literature cited by the submitters: PubMed 34906470 (cited by Ambry Genetics).